The following is an entry in ClinVar:

NM_001032386.2(SUOX):c.141dup (p.Asp48Ter)

Gene: SUOX (sulfite oxidase; plus strand). Cytogenetic location: 12q13.2.
Variant type: Duplication.
Coding change: c.141dup on transcript NM_001032386.2 (MANE Select); coding-DNA position 141, one base duplicated (T; older notation c.141dupT).
Protein change: p.Asp48Ter; replaces aspartic acid 48 with a stop codon.
Molecular consequence: nonsense.
Genome position (GRCh38, 1-based): chr12:56,002,633, T duplicated. VCF-style (leftmost placement, unchanged base first): chr12-56002632-G-GT. GRCh37 (hg19) VCF-style: chr12-56396416-G-GT.
Other names: c.141dup, p.Asp48Ter (NM_000456.3, NM_001032387.2); short protein forms D48*.
Identifiers: ClinVar variation 2124058 (VCV002124058.4), dbSNP rs2540574261, ClinGen allele CA2580086504.

ClinVar aggregate classification (germline): Pathogenic (1 of 4 stars; one submission).

Conditions:
Sulfite oxidase deficiency. Also called: Isolated sulfite oxidase deficiency. Identifiers: Orphanet 833, Orphanet 99731, MedGen C0268624, MONDO:0010089, OMIM 272300, HP:0003643.

Submission:

Labcorp Genetics (formerly Invitae), Labcorp
Classification: Pathogenic for Sulfite oxidase deficiency. Last evaluated: 2024-02-06. Review status: criteria provided, single submitter. Criteria: Invitae Variant Classification Sherloc (09022015). Collection method: clinical testing. Allele origin: germline.
Comment: This sequence change creates a premature translational stop signal (p.Asp48*) in the SUOX gene. While this is not anticipated to result in nonsense mediated decay, it is expected to disrupt the last 498 amino acid(s) of the SUOX protein. This variant is not present in population databases (gnomAD no frequency). This variant has not been reported in the literature in individuals affected with SUOX-related conditions. ClinVar contains an entry for this variant (Variation ID: 2124058). This variant disrupts a region of the SUOX protein in which other variant(s) (p.Arg459Gln) have been determined to be pathogenic (PMID: 31870341). This suggests that this is a clinically significant region of the protein, and that variants that disrupt it are likely to be disease-causing. For these reasons, this variant has been classified as Pathogenic.

Literature cited by the submitters: PubMed 31870341.